The following is an entry in ClinVar:

ClinVar aggregate classification (germline): Likely benign (1 of 4 stars; one submission).

Allele frequency attached by ClinVar (database versions not stated): gnomAD exomes below 0.00001.
gnomAD v4.1: 4 of 1,601,520 alleles (0.00025%); highest among the groups gnomAD compares: South Asian, 0.0011%; no homozygotes.

Submission:

CeGaT Center for Human Genetics Tuebingen
Classification: Likely benign. Last evaluated: 2023-08-01. Review status: criteria provided, single submitter. Criteria: CeGaT Center For Human Genetics Tuebingen Variant Classification Criteria Version 2. Collection method: clinical testing. Allele origin: germline. Affected: yes. Observed: 1 variant allele.
Comment: HERC2: BP4, BP7

NM_004667.6(HERC2):c.2919A>G (p.Glu973=)

Gene: HERC2 (HECT and RLD domain containing E3 ubiquitin protein ligase 2; minus strand). Cytogenetic location: 15q13.1.
Variant type: single nucleotide variant.
Coding change: c.2919A>G on transcript NM_004667.6 (MANE Select); coding-DNA position 2919, A replaced by G.
Protein change: p.Glu973=; no amino-acid change (glutamic acid 973 retained).
Molecular consequence: synonymous variant.
Genome position (GRCh38, 1-based): chr15:28,254,471, T>C on the plus strand (A>G on the coding strand, the complement: HERC2 is on the minus strand). VCF-style: chr15-28254471-T-C. GRCh37 (hg19) VCF-style: chr15-28499617-T-C.
Identifiers: ClinVar variation 2645074 (VCV002645074.24), dbSNP rs1296683221, ClinGen allele CA488964757.